The following is an entry in ClinVar:

NM_004360.5(CDH1):c.1411G>T (p.Ala471Ser)

Gene: CDH1 (cadherin 1; plus strand). Cytogenetic location: 16q22.1.
Variant type: single nucleotide variant.
Coding change: c.1411G>T on transcript NM_004360.5 (MANE Select); coding-DNA position 1411, G replaced by T.
Protein change: p.Ala471Ser; replaces alanine 471 with serine.
Molecular consequence: missense variant. On other transcripts: 5 prime UTR variant (2).
Genome position (GRCh38, 1-based): chr16:68,815,605, G>T. VCF-style: chr16-68815605-G-T. GRCh37 (hg19) VCF-style: chr16-68849508-G-T.
Other names: c.1228G>T, p.Ala410Ser (NM_001317184.2); c.-138G>T (NM_001317185.2); c.-409G>T (NM_001317186.2); short protein forms A410S, A471S.
Identifiers: ClinVar variation 1772055 (VCV001772055.2), dbSNP rs2152134863, ClinGen allele CA396462943.

ClinVar aggregate classification (germline): Uncertain significance (1 of 4 stars; one submission).

Conditions:
Hereditary cancer-predisposing syndrome. Also called: Hereditary Cancer Syndrome; Hereditary neoplastic syndrome; Neoplastic Syndromes, Hereditary; Tumor predisposition. Identifiers: Orphanet 140162, MedGen C0027672, MeSH D009386, MONDO:0015356.

Submission:

Ambry Genetics
Classification: Uncertain significance for Hereditary cancer-predisposing syndrome. Last evaluated: 2022-03-01. Review status: criteria provided, single submitter. Criteria: Ambry Variant Classification Scheme 2023. Collection method: clinical testing. Allele origin: germline.
Comment: The p.A471S variant (also known as c.1411G>T), located in coding exon 10 of the CDH1 gene, results from a G to T substitution at nucleotide position 1411. The alanine at codon 471 is replaced by serine, an amino acid with similar properties. This amino acid position is conserved. In addition, the in silico prediction for this alteration is inconclusive. Since supporting evidence is limited at this time, the clinical significance of this alteration remains unclear.